The following is an entry in ClinVar:

NM_080680.3(COL11A2):c.32T>C (p.Leu11Pro)

Gene: COL11A2 (collagen type XI alpha 2 chain; minus strand). Cytogenetic location: 6p21.32.
Variant type: single nucleotide variant.
Coding change: c.32T>C on transcript NM_080680.3 (MANE Select); coding-DNA position 32, T replaced by C.
Protein change: p.Leu11Pro; replaces leucine 11 with proline.
Molecular consequence: missense variant.
Genome position (GRCh38, 1-based): chr6:33,192,209, A>G on the plus strand (T>C on the coding strand, the complement: COL11A2 is on the minus strand). VCF-style: chr6-33192209-A-G. GRCh37 (hg19) VCF-style: chr6-33159986-A-G.
Other names: c.32T>C, p.Leu11Pro (NM_001163771.2, NM_080679.3, NM_080681.3); short protein forms L11P.
Identifiers: ClinVar variation 1309378 (VCV001309378.2), dbSNP rs2150637209, ClinGen allele CA363615025.

ClinVar aggregate classification (germline): Uncertain significance (1 of 4 stars; one submission).

Submission:

GeneDx
Classification: Uncertain significance. Last evaluated: 2019-10-30. Review status: criteria provided, single submitter. Criteria: GeneDx Variant Classification Process June 2021. Collection method: clinical testing. Allele origin: germline. Affected: yes.
Comment: Not observed in large population cohorts (Lek et al., 2016); In silico analysis, which includes protein predictors and evolutionary conservation, supports that this variant does not alter protein structure/function; Has not been previously published as pathogenic or benign to our knowledge